The following is an entry in ClinVar:

NM_138694.4(PKHD1):c.5174G>A (p.Trp1725Ter)

Genes: PKHD1 (PKHD1 ciliary IPT domain containing fibrocystin/polyductin; minus strand), LOC126859690 (MED14-independent group 3 enhancer GRCh37_chr6:51888848-51890047; plus strand). Cytogenetic location: 6p12.2.
Variant type: single nucleotide variant.
Coding change: c.5174G>A on transcript NM_138694.4 (MANE Select); coding-DNA position 5174, G replaced by A.
Protein change: p.Trp1725Ter; replaces tryptophan 1725 with a stop codon.
Molecular consequence: nonsense.
Genome position (GRCh38, 1-based): chr6:52,024,636, C>T on the plus strand (G>A on the coding strand, the complement: PKHD1 is on the minus strand). VCF-style: chr6-52024636-C-T. GRCh37 (hg19) VCF-style: chr6-51889434-C-T.
Other names: c.5174G>A, p.Trp1725Ter (NM_170724.3); short protein forms W1725*.
Identifiers: ClinVar variation 4816686 (VCV004816686.1).
Genomic context (GRCh38, chr6:52,024,636, plus strand): 5'-AAGTTCTCCGTCACTGCTGTAATAATAACTCTTGAGGTGAACACCAGGGCAGATGAGGCC[C>T]ACCCTCTGATGCAGTCATAGCCTCTGACGTGGTACTCCCCGGCCGGAAGGGAAGGGACCA-3'

ClinVar aggregate classification (germline): Likely pathogenic (1 of 4 stars; one submission).

Conditions:
Autosomal recessive polycystic kidney disease (ARPKD). Also called: AR polycystic kidney disease. Identifiers: Orphanet 731, Orphanet 8378, MedGen C0085548, MeSH D017044, MONDO:0009889.

Submission:

Natera, Inc.
Classification: Likely pathogenic for Autosomal recessive polycystic kidney disease. Last evaluated: 2025-09-04. Review status: criteria provided, single submitter. Criteria: Natera Variant Classification Schema (03/2026). Collection method: clinical testing. Allele origin: germline.
Comment: The c.5174G>A variant in PKHD1 is a nonsense variant predicted to introduce a stop codon at amino acid 1725. This variant is expected to result in nonsense mediated decay, truncation, or a dysfunctional protein product. This variant is rare in the general population with a frequency below the threshold expected for the associated phenotype(s). Given the available evidence, this variant is classified as Likely Pathogenic.